The following is an entry in ClinVar:

NM_020771.4(HACE1):c.326+2T>A

Gene: HACE1 (HECT domain and ankyrin repeat containing E3 ubiquitin protein ligase 1; minus strand). Cytogenetic location: 6q16.3.
Variant type: single nucleotide variant.
Coding change: c.326+2T>A on transcript NM_020771.4 (MANE Select); the canonical splice donor site of the intron after coding-DNA position 326, T replaced by A.
Molecular consequence: splice donor variant.
Genome position (GRCh38, 1-based): chr6:104,849,140, A>T on the plus strand (T>A on the coding strand, the complement: HACE1 is on the minus strand). VCF-style: chr6-104849140-A-T. GRCh37 (hg19) VCF-style: chr6-105297015-A-T.
Other names: c.326+2T>A (NM_001350555.2, NM_001321080.2); c.-250+2T>A (NM_001350560.2); c.-20+2T>A (NM_001350557.2); c.-85+2T>A (NM_001350556.2); c.-42+2T>A (NM_001350559.2); c.-96+2T>A (NM_001350558.2, NM_001321084.2); c.224+2T>A (NM_001350554.2, NM_001321083.2).
Identifiers: ClinVar variation 4857624 (VCV004857624.1).

ClinVar aggregate classification (germline): Likely pathogenic (1 of 4 stars; one submission).

Conditions:
Spastic paraplegia-severe developmental delay-epilepsy syndrome. Also called: Spastic paraplegia and psychomotor retardation with or without seizures. Identifiers: Orphanet 464282, MedGen C4225215, MONDO:0014764, OMIM 616756.

Submission:

Kasturba Medical College, Manipal, Kasturba Medical College, Manipal, Manipal Academy of Higher Education, Manipal, India
Classification: Likely pathogenic for Spastic paraplegia-severe developmental delay-epilepsy syndrome. Last evaluated: 2026-06-16. Review status: criteria provided, single submitter. Criteria: ACMG Guidelines, 2015. Collection method: research. Allele origin: biparental. Inheritance: Autosomal recessive inheritance. Affected: yes. Observed: 1 variant allele, 1 homozygote.
Comment: This variant is absent in homozygous and/or heterozygous state in the gnomAD (v4.0.0) population database and in our in-house data of 4287 exomes. This canonical splice-site variant is likely to result in aberrant splicing and lead to either the formation of a truncated protein product or cause the transcript to undergo nonsense mediated mRNA decay.